The following is an entry in ClinVar:

ClinVar aggregate classification (germline): Pathogenic. Review status: criteria provided, multiple submitters, no conflicts (2 of 4 stars). 2 submissions from 2 submitters: Pathogenic (2). Last evaluated 2022-07-20.

Conditions:
Hereditary cancer-predisposing syndrome. Also called: Tumor predisposition; Neoplastic Syndromes, Hereditary; Hereditary Cancer Syndrome; Hereditary neoplastic syndrome. Identifiers: Orphanet 140162, MedGen C0027672, MeSH D009386, MONDO:0015356.

Submissions (2):

Ambry Genetics
Classification: Pathogenic for Hereditary cancer-predisposing syndrome. Last evaluated: 2022-07-20. Review status: criteria provided, single submitter. Criteria: Ambry Variant Classification Scheme 2023. Collection method: clinical testing. Allele origin: germline.
Comment: The p.S131* pathogenic mutation (also known as c.392C>G), located in coding exon 3 of the MSH3 gene, results from a C to G substitution at nucleotide position 392. This changes the amino acid from a serine to a stop codon within coding exon 3. This variant is considered to be rare based on population cohorts in the Genome Aggregation Database (gnomAD). This alteration is expected to result in loss of function by premature protein truncation or nonsense-mediated mRNA decay. As such, this alteration is interpreted as a disease-causing mutation.

Labcorp Genetics (formerly Invitae), Labcorp
Classification: Pathogenic. Last evaluated: 2021-04-20. Review status: criteria provided, single submitter. Criteria: Invitae Variant Classification Sherloc (09022015). Collection method: clinical testing. Allele origin: germline.
Comment: This sequence change creates a premature translational stop signal (p.Ser131*) in the MSH3 gene. It is expected to result in an absent or disrupted protein product. Loss-of-function variants in MSH3 are known to be pathogenic (PMID: 27476653). This variant is not present in population databases (ExAC no frequency). This variant has not been reported in the literature in individuals with MSH3-related conditions. For these reasons, this variant has been classified as Pathogenic.

Literature cited by the submitters: PubMed 27476653 (cited by Labcorp Genetics (formerly Invitae), Labcorp).

NM_002439.5(MSH3):c.392C>G (p.Ser131Ter)

Gene: MSH3 (mutS homolog 3; plus strand). Cytogenetic location: 5q14.1.
Variant type: single nucleotide variant.
Coding change: c.392C>G on transcript NM_002439.5 (MANE Select); coding-DNA position 392, C replaced by G.
Protein change: p.Ser131Ter; replaces serine 131 with a stop codon.
Molecular consequence: nonsense.
Genome position (GRCh38, 1-based): chr5:80,665,176, C>G. VCF-style: chr5-80665176-C-G. GRCh37 (hg19) VCF-style: chr5-79960995-C-G.
Other names: short protein forms S131*.
Identifiers: ClinVar variation 1380869 (VCV001380869.8), dbSNP rs2112808726, ClinGen allele CA360263097.